The following is an entry in ClinVar:

ClinVar aggregate classification (germline): Uncertain significance. Review status: criteria provided, multiple submitters, no conflicts (2 of 4 stars). 3 submissions from 3 submitters: Uncertain significance (3). Last evaluated 2023-08-16.

Conditions:
Hyperinsulinemic hypoglycemia, familial, 1 (HHF1). Also called: Persistent hyperinsulinemic hypoglycemia of infancy; HYPERINSULINISM, FAMILIAL, WITH PANCREATIC NESIDIOBLASTOSIS; HYPOGLYCEMIA, HYPERINSULINEMIC, OF INFANCY; Persistent Hyperinsulinemia Hypoglycemia of Infancy; NESIDIOBLASTOSIS OF PANCREAS. Identifiers: Orphanet 276575, Orphanet 276598, MedGen C2931832, MONDO:0009734, OMIM 256450.

Allele frequency attached by ClinVar (database versions not stated): ExAC 0.00005; gnomAD exomes 0.00005; gnomAD 0.00006 and 0.00007; TOPMed 0.00007; ESP Exome Variant Server 0.00008.
gnomAD v4.1: 83 of 1,614,070 alleles (0.0051%); highest among the groups gnomAD compares: East Asian, 0.0089%; no homozygotes.

Submissions (3):

Broad Center for Mendelian Genomics, Broad Institute of MIT and Harvard
Classification: Uncertain significance for Hyperinsulinemic hypoglycemia, familial, 1. Last evaluated: 2023-08-16. Review status: criteria provided, single submitter. Criteria: ACMG Guidelines, 2015. Collection method: curation. Allele origin: germline. Inheritance: Autosomal recessive inheritance.
Comment: The p.Arg797Trp variant in ABCC8 has been previously reported in 1 individual, in the compound heterozygous state, with hyperinsulinemic hypoglycemia (PMID: 23275527) and has been seen in 0.02% (3/19954) of East Asian chromosomes by the Genome Aggregation Database (gnomAD; dbSNP: rs142620721). Although this variant has been seen in the general population in a heterozygous state, its frequency is low enough to be consistent with a recessive carrier frequency. This variant has also been reported in ClinVar (Variation ID: 1338583) and has been interpreted as a variant of uncertain significance by Genetic Services Laboratory (University of Chicago) and Women's Health and Genetics/Laboratory Corporation of America (LabCorp). Computational prediction tools and conservation analyses suggest that this variant may impact the protein, though this information is not predictive enough to determine pathogenicity. In summary, the clinical significance of the p.Arg836Gln variant is uncertain. ACMG/AMP Criteria applied: PP3, PM2_supporting, PM3 (Richards 2015).

Women's Health and Genetics/Laboratory Corporation of America, LabCorp
Classification: Uncertain significance. Last evaluated: 2022-10-19. Review status: criteria provided, single submitter. Criteria: LabCorp Variant Classification Summary - May 2015. Collection method: clinical testing. Allele origin: germline.
Comment: Variant summary: ABCC8 c.2389C>T (p.Arg797Trp) results in a non-conservative amino acid change located in the ABC transporter-like, ATP-binding domain (IPR003439) of the encoded protein sequence. Five of five in-silico tools predict a damaging effect of the variant on protein function. The variant allele was found at a frequency of 4.8e-05 in 251480 control chromosomes. This frequency is not significantly higher than expected for a pathogenic variant in ABCC8 causing Familial Hyperinsulinism (4.8e-05 vs 0.0034), allowing no conclusion about variant significance. c.2389C>T has been reported in the literature in an individual affected with Hyperinsulinism without strong evidence for causality (Snider_2013). This report does not provide unequivocal conclusions about association of the variant with Familial Hyperinsulinism. To our knowledge, no experimental evidence demonstrating an impact on protein function has been reported. One clinical diagnostic laboratory has submitted clinical-significance assessments for this variant to ClinVar after 2014 without evidence for independent evaluation, classifying the variant as uncertain significance. Based on the evidence outlined above, the variant was classified as uncertain significance.

Genetic Services Laboratory, University of Chicago
Classification: Uncertain significance. Last evaluated: 2020-08-31. Review status: criteria provided, single submitter. Criteria: ACMG Guidelines, 2015. Collection method: clinical testing. Allele origin: germline. Affected: no.

Literature cited by the submitters: PubMed 23275527 (cited by Women's Health and Genetics/Laboratory Corporation of America, LabCorp).

NM_000352.6(ABCC8):c.2389C>T (p.Arg797Trp)

Genes: ABCC8 (ATP binding cassette subfamily C member 8; minus strand), LOC110121471 (VISTA enhancer hs1977; plus strand). Cytogenetic location: 11p15.1.
Variant type: single nucleotide variant.
Coding change: c.2389C>T on transcript NM_000352.6 (MANE Select); coding-DNA position 2389, C replaced by T.
Protein change: p.Arg797Trp; replaces arginine 797 with tryptophan.
Molecular consequence: missense variant. On other transcripts: non-coding transcript variant (1).
Genome position (GRCh38, 1-based): chr11:17,414,513, G>A on the plus strand (C>T on the coding strand, the complement: ABCC8 is on the minus strand). VCF-style: chr11-17414513-G-A. GRCh37 (hg19) VCF-style: chr11-17436060-G-A.
Other names: NM_000352.6(ABCC8):c.2389C>T; p.Arg797Trp; c.2392C>T, p.Arg798Trp (NM_001287174.3); c.2455C>T, p.Arg819Trp (NM_001351295.2); c.2389C>T, p.Arg797Trp (NM_001351296.2); c.2386C>T, p.Arg796Trp (NM_001351297.2); short protein forms R796W, R797W, R798W, R819W.
Identifiers: ClinVar variation 1338583 (VCV001338583.6), dbSNP rs142620721, ClinGen allele CA5903178.